The following is an entry in ClinVar:

ClinVar aggregate classification (germline): Conflicting classifications of pathogenicity. Review status: criteria provided, conflicting classifications (1 of 4 stars). 3 submissions from 3 submitters: Uncertain significance (1); Likely benign (1). 1 of the submissions does not count toward it. Last evaluated 2025-10-10.

Conditions:
SYNE1-related disorder. Also called: SYNE1-related disease; SYNE1-related condition; SYNE1-related disorders.
Autosomal recessive ataxia, Beauce type. Also called: ATAXIA, RECESSIVE, OF BEAUCE; SYNE1 Deficiency; SYNE1-Related Autosomal Recessive Cerebellar Ataxia; Spinocerebellar ataxia, autosomal recessive 8. Identifiers: Orphanet 88644, MedGen C1853116, MONDO:0012549, OMIM 610743.
Emery-Dreifuss muscular dystrophy 4, autosomal dominant (EDMD4). Also called: EMERY-DREIFUSS MUSCULAR DYSTROPHY 4 WITH VARIABLE FEATURES. Identifiers: Orphanet 261, MedGen C2751807, MONDO:0013071, OMIM 612998.

Allele frequency attached by ClinVar (database versions not stated): gnomAD exomes 0.00003 and 0.00004; ExAC 0.00004; gnomAD 0.00007 and 0.00008; TOPMed 0.00007; ESP Exome Variant Server 0.00015; 1000 Genomes Project 30x 0.00016; 1000 Genomes Project 0.00020.
gnomAD v4.1: 58 of 1,613,996 alleles (0.0036%); highest among the groups gnomAD compares: African/African-American, 0.016%; no homozygotes.

Submissions (3):

Labcorp Genetics (formerly Invitae), Labcorp
Classification: Likely benign for Emery-Dreifuss muscular dystrophy 4, autosomal dominant; Autosomal recessive ataxia, Beauce type. Last evaluated: 2025-10-10. Review status: criteria provided, single submitter. Criteria: Invitae Variant Classification Sherloc (09022015). Collection method: clinical testing. Allele origin: germline.

CeGaT Center for Human Genetics Tuebingen
Classification: Uncertain significance. Last evaluated: 2016-10-01. Review status: criteria provided, single submitter. Criteria: CeGaT Center For Human Genetics Tuebingen Variant Classification Criteria Version 2. Collection method: clinical testing. Allele origin: germline. Affected: yes. Observed: 1 variant allele.

PreventionGenetics, part of Exact Sciences
Classification: Likely benign for SYNE1-related condition. Last evaluated: 2019-08-14. Review status: no assertion criteria provided. Collection method: clinical testing. Allele origin: germline. Not counted in ClinVar's aggregate classification.
Comment: This variant is classified as likely benign based on ACMG/AMP sequence variant interpretation guidelines (Richards et al. 2015 PMID: 25741868, with internal and published modifications).

NM_182961.4(SYNE1):c.2448G>A (p.Pro816=)

Gene: SYNE1 (spectrin repeat containing nuclear envelope protein 1; minus strand). Cytogenetic location: 6q25.2.
Variant type: single nucleotide variant.
Coding change: c.2448G>A on transcript NM_182961.4 (MANE Select); coding-DNA position 2448, G replaced by A.
Protein change: p.Pro816=; no amino-acid change (proline 816 retained).
Molecular consequence: synonymous variant.
Genome position (GRCh38, 1-based): chr6:152,458,877, C>T on the plus strand (G>A on the coding strand, the complement: SYNE1 is on the minus strand). VCF-style: chr6-152458877-C-T. GRCh37 (hg19) VCF-style: chr6-152780012-C-T.
Other names: c.2469G>A, p.Pro823= (NM_033071.5); c.2469G>A (NM_033071.3).
Identifiers: ClinVar variation 425400 (VCV000425400.51), dbSNP rs375111758, ClinGen allele CA4059133.